The following is an entry in ClinVar:

NM_007294.4(BRCA1):c.25G>C (p.Glu9Gln)

Gene: BRCA1 (BRCA1 DNA repair associated; minus strand). Cytogenetic location: 17q21.31.
Variant type: single nucleotide variant.
Coding change: c.25G>C on transcript NM_007294.4 (MANE Select); coding-DNA position 25, G replaced by C.
Protein change: p.Glu9Gln; replaces glutamic acid 9 with glutamine.
Molecular consequence: missense variant. On other transcripts: 5 prime UTR variant (1), non-coding transcript variant (1).
Genome position (GRCh38, 1-based): chr17:43,124,072, C>G on the plus strand (G>C on the coding strand, the complement: BRCA1 is on the minus strand). VCF-style: chr17-43124072-C-G. GRCh37 (hg19) VCF-style: chr17-41276089-C-G.
Other names: c.25G>C, p.Glu9Gln (NM_001408445.1, NM_001408446.1, NM_001408447.1 and 193 more transcripts); c.-236G>C (NM_001408452.1, NM_001408462.1, NM_001408463.1 and 22 more transcripts); c.-63G>C (NM_001408454.1, NM_001408459.1, NM_001408460.1 and 23 more transcripts); c.-233G>C (NM_001408455.1, NM_001408456.1, NM_001408468.1 and 11 more transcripts); c.-237G>C (NM_001408465.1, NM_001407695.1); c.-164G>C (NM_001408478.1, NM_001408479.1, NM_001408480.1 and 46 more transcripts); c.-309G>C (NM_001408482.1); c.-280G>C (NM_001408492.1, NM_001407889.1); and 8 more; short protein forms E9Q.
Identifiers: ClinVar variation 630444 (VCV000630444.6), dbSNP rs1567823437, ClinGen allele CA10602114.

ClinVar aggregate classification (germline): Uncertain significance (1 of 4 stars; one submission).

Conditions:
Hereditary cancer-predisposing syndrome. Also called: Hereditary neoplastic syndrome; Tumor predisposition; Hereditary Cancer Syndrome; Neoplastic Syndromes, Hereditary. Identifiers: Orphanet 140162, MedGen C0027672, MeSH D009386, MONDO:0015356.

Submissions (2):

Color Diagnostics, LLC DBA Color Health
Classification: Uncertain significance for Hereditary cancer-predisposing syndrome. Last evaluated: 2019-05-15. Review status: criteria provided, single submitter. Criteria: ACMG Guidelines, 2015. Collection method: clinical testing. Allele origin: germline.

Brotman Baty Institute, University of Washington
No classification provided (evidence only). Condition: Breast-ovarian cancer, familial 1. Review status: no classification provided. Collection method: in vitro. Allele origin: not applicable. Functional consequence: functionally_normal. Not counted in ClinVar's aggregate classification.
ClinVar note: "not provided" was previously submitted as the classification for the variant. However, the classification appeared to be based only on an observation of functional data so it was converted to no classification on 2025-07-30.